The following is an entry in ClinVar:

ClinVar aggregate classification (germline): Uncertain significance. Review status: criteria provided, multiple submitters, no conflicts (2 of 4 stars). 2 submissions from 2 submitters: Uncertain significance (2). Last evaluated 2023-07-05.

Conditions:
PGK1-related disorder. Also called: PGK1-related condition.

Allele frequency attached by ClinVar (database versions not stated): gnomAD exomes below 0.00001; ExAC 0.00002; TOPMed 0.00002; gnomAD 0.00003; ESP Exome Variant Server 0.00009.

Submissions (2):

Labcorp Genetics (formerly Invitae), Labcorp
Classification: Uncertain significance. Last evaluated: 2023-07-05. Review status: criteria provided, single submitter. Criteria: Invitae Variant Classification Sherloc (09022015). Collection method: clinical testing. Allele origin: germline.
Comment: This sequence change replaces glycine, which is neutral and non-polar, with arginine, which is basic and polar, at codon 366 of the PGK1 protein (p.Gly366Arg). This variant is present in population databases (rs150956842, gnomAD 0.02%), including at least one homozygous and/or hemizygous individual. This variant has not been reported in the literature in individuals affected with PGK1-related conditions. ClinVar contains an entry for this variant (Variation ID: 1908545). Advanced modeling of protein sequence and biophysical properties (such as structural, functional, and spatial information, amino acid conservation, physicochemical variation, residue mobility, and thermodynamic stability) has been performed at Invitae for this missense variant, however the output from this modeling did not meet the statistical confidence thresholds required to predict the impact of this variant on PGK1 protein function. In summary, the available evidence is currently insufficient to determine the role of this variant in disease. Therefore, it has been classified as a Variant of Uncertain Significance.

PreventionGenetics, part of Exact Sciences
Classification: Uncertain significance for PGK1-related condition. Last evaluated: 2023-03-09. Review status: criteria provided, single submitter. Criteria: ACMG Guidelines, 2015. Collection method: clinical testing. Allele origin: germline.
Comment: The PGK1 c.1096G>C variant is predicted to result in the amino acid substitution p.Gly366Arg. To our knowledge, this variant has not been reported in the literature. This variant is reported in 0.016% of alleles in individuals of African descent in gnomAD. At this time, the clinical significance of this variant is uncertain due to the absence of conclusive functional and genetic evidence.

NM_000291.4(PGK1):c.1096G>C (p.Gly366Arg)

Gene: PGK1 (phosphoglycerate kinase 1; plus strand). Cytogenetic location: Xq21.1.
Variant type: single nucleotide variant.
Coding change: c.1096G>C on transcript NM_000291.4 (MANE Select); coding-DNA position 1096, G replaced by C.
Protein change: p.Gly366Arg; replaces glycine 366 with arginine.
Molecular consequence: missense variant.
Genome position (GRCh38, 1-based): chrX:78,125,033, G>C. VCF-style: chrX-78125033-G-C. GRCh37 (hg19) VCF-style: chrX-77380530-G-C.
Other names: short protein forms G366R.
Identifiers: ClinVar variation 1908545 (VCV001908545.6), dbSNP rs150956842, ClinGen allele CA10459821.